The following is an entry in ClinVar:

NM_014694.4(ADAMTSL2):c.774C>T (p.Asp258=)

Gene: ADAMTSL2 (ADAMTS like 2; plus strand). Cytogenetic location: 9q34.2.
Variant type: single nucleotide variant.
Coding change: c.774C>T on transcript NM_014694.4 (MANE Select); coding-DNA position 774, C replaced by T.
Protein change: p.Asp258=; no amino-acid change (aspartic acid 258 retained).
Molecular consequence: synonymous variant.
Genome position (GRCh38, 1-based): chr9:133,547,048, C>T. VCF-style: chr9-133547048-C-T. GRCh37 (hg19) VCF-style: chr9-136412170-C-T.
Other names: c.774C>T, p.Asp258= (NM_001145320.2).
Identifiers: ClinVar variation 365581 (VCV000365581.15), dbSNP rs2073874, ClinGen allele CA5312770.
Genomic context (GRCh38, chr9:133,547,048, plus strand): 5'-CCTCCCCCAGCCAGTTTGGCCTTTTGTGACCGGCGGCTTTGCCCTTCCAGCTCTTGCAGA[C>T]GAAGCTGGCTACTACTTCTTCAACGGCAACTACAAGGTGGACAGCCCCAAGAACTTCAAC-3'
Protein context (NP_055509.2, residues 248-268): KKSADVLALA[Asp258=]EAGYYFFNGN

ClinVar aggregate classification (germline): Benign. Review status: criteria provided, multiple submitters, no conflicts (2 of 4 stars). 9 submissions from 9 submitters: Benign (6). 3 of the submissions do not count toward it. Last evaluated 2026-05-08.

Conditions:
Geleophysic dysplasia 1 (GPHYSD1). Also called: Geleophysic dwarfism. Identifiers: Orphanet 2623, MedGen C3278147, MONDO:0009269, OMIM 231050.

Allele frequency attached by ClinVar (database versions not stated): 1000 Genomes Project 0.72404; 1000 Genomes Project 30x 0.73314; gnomAD exomes 0.81324 and 0.88560; ExAC 0.81938; TOPMed 0.83048; gnomAD 0.84423 and 0.85257; ESP Exome Variant Server 0.87537.
gnomAD v4.1: 1,421,958 of 1,613,840 alleles (88%); highest among the groups gnomAD compares: Non-Finnish European, 92%; 634,047 homozygotes.

Submissions (9):

Women's Health and Genetics/Laboratory Corporation of America, LabCorp
Classification: Benign. Last evaluated: 2026-05-08. Review status: criteria provided, single submitter. Criteria: LabCorp Variant Classification Summary - May 2015. Collection method: clinical testing. Allele origin: germline.

Blueprint Genetics
Classification: Benign. Last evaluated: 2024-11-27. Review status: criteria provided, single submitter. Criteria: ACMG Guidelines, 2015. Collection method: clinical testing. Allele origin: germline.

Genome-Nilou Lab
Classification: Benign for Geleophysic dysplasia 1. Last evaluated: 2021-07-14. Review status: criteria provided, single submitter. Criteria: ACMG Guidelines, 2015. Collection method: clinical testing. Allele origin: germline. Affected: no.

GeneDx
Classification: Benign. Last evaluated: 2018-06-13. Review status: criteria provided, single submitter. Criteria: GeneDx Variant Classification (06012015). Collection method: clinical testing. Allele origin: germline. Affected: yes.
Comment: This variant is considered likely benign or benign based on one or more of the following criteria: it is a conservative change, it occurs at a poorly conserved position in the protein, it is predicted to be benign by multiple in silico algorithms, and/or has population frequency not consistent with disease.

Illumina Laboratory Services, Illumina
Classification: Benign for Geleophysic dysplasia 1. Last evaluated: 2018-01-12. Review status: criteria provided, single submitter. Criteria: ICSL Variant Classification Criteria 13 December 2019. Collection method: clinical testing. Allele origin: germline.
Comment: This variant was observed in the ICSL laboratory as part of a predisposition screen in an ostensibly healthy population. It had not been previously curated by ICSL or reported in the Human Gene Mutation Database (HGMD: prior to June 1st, 2018), and was therefore a candidate for classification through an automated scoring system. Utilizing variant allele frequency, disease prevalence and penetrance estimates, and inheritance mode, an automated score was calculated to assess if this variant is too frequent to cause the disease. Based on the score and internal cut-off values, a variant classified as benign is not then subjected to further curation. The score for this variant resulted in a classification of benign for this disease.

Breakthrough Genomics
Classification: Benign. Review status: criteria provided, single submitter. Criteria: ACMG Guidelines, 2015. Collection method: not provided. Allele origin: germline. Inheritance: Autosomal recessive inheritance. Affected: yes.

Diagnostic Laboratory, Department of Genetics, University Medical Center Groningen
Classification: Benign for Geleophysic dysplasia 1. Review status: no assertion criteria provided. Collection method: clinical testing. Allele origin: germline. Affected: yes. Study: VKGL Data-share Consensus. Not counted in ClinVar's aggregate classification.

Genome Diagnostics Laboratory, Amsterdam University Medical Center
Classification: Benign. Review status: no assertion criteria provided. Collection method: clinical testing. Allele origin: germline. Affected: yes. Study: VKGL Data-share Consensus. Not counted in ClinVar's aggregate classification.

Joint Genome Diagnostic Labs from Nijmegen and Maastricht, Radboudumc and MUMC+
Classification: Benign. Review status: no assertion criteria provided. Collection method: clinical testing. Allele origin: germline. Affected: yes. Study: VKGL Data-share Consensus. Not counted in ClinVar's aggregate classification.